The following is an entry in ClinVar:

NM_001376.5(DYNC1H1):c.8519A>G (p.Asp2840Gly)

Gene: DYNC1H1 (dynein cytoplasmic 1 heavy chain 1; plus strand). Cytogenetic location: 14q32.31.
Variant type: single nucleotide variant.
Coding change: c.8519A>G on transcript NM_001376.5 (MANE Select); coding-DNA position 8519, A replaced by G.
Protein change: p.Asp2840Gly; replaces aspartic acid 2840 with glycine.
Molecular consequence: missense variant.
Genome position (GRCh38, 1-based): chr14:102,022,762, A>G. VCF-style: chr14-102022762-A-G. GRCh37 (hg19) VCF-style: chr14-102489099-A-G.
Other names: short protein forms D2840G.
Identifiers: ClinVar variation 856217 (VCV000856217.7), dbSNP rs1475477801, ClinGen allele CA391007012.
Genomic context (GRCh38, chr14:102,022,762, plus strand): 5'-TTCACCGTGCCCTCTAGTTACCTAAATGCACATGCTGCTCTCCCCACAGACTCGTAGAGG[A>G]TGAGGAGAGGCGTTGGACTGATGAGAACATCGACACGGTTGCTCTGAAGCACTTCCCTAA-3'
Protein context (NP_001367.2, residues 2830-2850): LRLFQDRLVE[Asp2840Gly]EERRWTDENI

ClinVar aggregate classification (germline): Uncertain significance (1 of 4 stars; one submission).

Conditions:
Charcot-Marie-Tooth disease axonal type 2O. Also called: CHARCOT-MARIE-TOOTH NEUROPATHY, AXONAL, TYPE 2O; CHARCOT-MARIE-TOOTH DISEASE, AXONAL, AUTOSOMAL DOMINANT, TYPE 2O; Charcot-Marie-Tooth Neuropathy Type 2O; Charcot-Marie-Tooth disease, axonal, type 20. Identifiers: Orphanet 284232, MedGen C3280220, MONDO:0013644, OMIM 614228.

Allele frequency attached by ClinVar (database versions not stated): gnomAD exomes below 0.00001; gnomAD 0.00001; TOPMed 0.00002.
gnomAD v4.1: 6 of 1,613,978 alleles (0.00037%); highest among the groups gnomAD compares: Non-Finnish European, 0.00051%; no homozygotes.

Submission:

Labcorp Genetics (formerly Invitae), Labcorp
Classification: Uncertain significance for Charcot-Marie-Tooth disease axonal type 2O. Last evaluated: 2023-06-25. Review status: criteria provided, single submitter. Criteria: Invitae Variant Classification Sherloc (09022015). Collection method: clinical testing. Allele origin: germline.
Comment: This sequence change replaces aspartic acid, which is acidic and polar, with glycine, which is neutral and non-polar, at codon 2840 of the DYNC1H1 protein (p.Asp2840Gly). This variant is not present in population databases (gnomAD no frequency). In summary, the available evidence is currently insufficient to determine the role of this variant in disease. Therefore, it has been classified as a Variant of Uncertain Significance. Advanced modeling of protein sequence and biophysical properties (such as structural, functional, and spatial information, amino acid conservation, physicochemical variation, residue mobility, and thermodynamic stability) has been performed at Invitae for this missense variant, however the output from this modeling did not meet the statistical confidence thresholds required to predict the impact of this variant on DYNC1H1 protein function. ClinVar contains an entry for this variant (Variation ID: 856217). This variant has not been reported in the literature in individuals affected with DYNC1H1-related conditions.